The following is an entry in ClinVar:

NM_032380.5(GFM2):c.390T>G (p.Phe130Leu)

Gene: GFM2 (GTP dependent ribosome recycling factor mitochondrial 2; minus strand). Cytogenetic location: 5q13.3.
Variant type: single nucleotide variant.
Coding change: c.390T>G on transcript NM_032380.5 (MANE Select); coding-DNA position 390, T replaced by G.
Protein change: p.Phe130Leu; replaces phenylalanine 130 with leucine.
Molecular consequence: missense variant. On other transcripts: non-coding transcript variant (1).
Genome position (GRCh38, 1-based): chr5:74,751,408, A>C on the plus strand (T>G on the coding strand, the complement: GFM2 is on the minus strand). VCF-style: chr5-74751408-A-C. GRCh37 (hg19) VCF-style: chr5-74047233-A-C.
Other names: p.F130L:TTT>TTG; c.486T>G, p.Phe162Leu (NM_001281302.2); c.390T>G, p.Phe130Leu (NM_170681.3, NM_170691.3); short protein forms F130L, F162L.
Identifiers: ClinVar variation 214501 (VCV000214501.1), dbSNP rs863224036, ClinGen allele CA323517.

ClinVar aggregate classification (germline): Likely benign (1 of 4 stars; one submission).

Submission:

GeneDx
Classification: Likely benign. Last evaluated: 2014-05-27. Review status: criteria provided, single submitter. Criteria: GeneDx Variant Classification (06012015). Collection method: clinical testing. Allele origin: germline. Affected: yes.
Comment: This variant is considered likely benign or benign based on one or more of the following criteria: it is a conservative change, it occurs at a poorly conserved position in the protein, it is predicted to be benign by multiple in silico algorithms, and/or has population frequency not consistent with disease.